The following is an entry in ClinVar:

NM_000541.5(SAG):c.145G>T (p.Val49Leu)

Gene: SAG (S-antigen visual arrestin; plus strand). Cytogenetic location: 2q37.1.
Variant type: single nucleotide variant.
Coding change: c.145G>T on transcript NM_000541.5 (MANE Select); coding-DNA position 145, G replaced by T.
Protein change: p.Val49Leu; replaces valine 49 with leucine.
Molecular consequence: missense variant.
Genome position (GRCh38, 1-based): chr2:233,318,759, G>T. VCF-style: chr2-233318759-G-T. GRCh37 (hg19) VCF-style: chr2-234227405-G-T.
Other names: short protein forms V49L.
Identifiers: ClinVar variation 2196482 (VCV002196482.5), dbSNP rs151281271, ClinGen allele CA2174235.
Genomic context (GRCh38, chr2:233,318,759, plus strand): 5'-TGGTTTCTTTCATCTTCTCCACCCTCACTGCTCTCTCCCTCTTTTGCCTTAGATGGTGTC[G>T]TGTTGGTTGATCCTGATCTTGTGAAGGGAAAGAAAGGTGAGATGAAGCCCCTTGTCTCAG-3'
Protein context (NP_000532.2, residues 39-59): VSQVQPVDGV[Val49Leu]LVDPDLVKGK

ClinVar aggregate classification (germline): Uncertain significance. Review status: criteria provided, multiple submitters, no conflicts (2 of 4 stars). 2 submissions from 2 submitters: Uncertain significance (2). Last evaluated 2025-03-10.

gnomAD v4.1: 45 of 1,613,672 alleles (0.0028%); highest among the groups gnomAD compares: Admixed American, 0.0017%; no homozygotes.

Submissions (2):

Labcorp Genetics (formerly Invitae), Labcorp
Classification: Uncertain significance. Last evaluated: 2025-03-10. Review status: criteria provided, single submitter. Criteria: Invitae Variant Classification Sherloc (09022015). Collection method: clinical testing. Allele origin: germline.
Comment: This sequence change replaces valine, which is neutral and non-polar, with leucine, which is neutral and non-polar, at codon 49 of the SAG protein (p.Val49Leu). This variant is present in population databases (rs151281271, gnomAD 0.08%). This variant has not been reported in the literature in individuals affected with SAG-related conditions. ClinVar contains an entry for this variant (Variation ID: 2196482). Invitae Evidence Modeling of protein sequence and biophysical properties (such as structural, functional, and spatial information, amino acid conservation, physicochemical variation, residue mobility, and thermodynamic stability) indicates that this missense variant is not expected to disrupt SAG protein function with a negative predictive value of 80%. In summary, the available evidence is currently insufficient to determine the role of this variant in disease. Therefore, it has been classified as a Variant of Uncertain Significance.

Blueprint Genetics
Classification: Uncertain significance. Last evaluated: 2024-09-24. Review status: criteria provided, single submitter. Criteria: ACMG Guidelines, 2015. Collection method: clinical testing. Allele origin: germline.